The following is an entry in ClinVar:

NM_003672.4(CDC14A):c.1755+5584C>G

Gene: CDC14A (cell division cycle 14A; plus strand). Cytogenetic location: 1p21.2.
Variant type: single nucleotide variant.
Coding change: c.1755+5584C>G on transcript NM_003672.4 (MANE Select); 5584 bases into the intron after coding-DNA position 1755, C replaced by G.
Molecular consequence: intron variant. On other transcripts: synonymous variant (1).
Genome position (GRCh38, 1-based): chr1:100,504,846, C>G. VCF-style: chr1-100504846-C-G. GRCh37 (hg19) VCF-style: chr1-100970402-C-G.
Other names: c.1788C>G, p.Pro596= (NM_001319210.2).
Identifiers: ClinVar variation 3031484 (VCV003031484.2), dbSNP rs1216785365, ClinGen allele CA419106863.

ClinVar aggregate classification (germline): Likely benign (0 of 4 stars; one submission).

Conditions:
CDC14A-related disorder. Also called: CDC14A-related condition.

Allele frequency attached by ClinVar (database versions not stated): TOPMed 0.00003.
gnomAD v4.1: 1 of 1,535,754 alleles (0.000065%); highest among the groups gnomAD compares: Admixed American, 0.002%; no homozygotes.

Submission:

PreventionGenetics, part of Exact Sciences
Classification: Likely benign for CDC14A-related condition. Last evaluated: 2021-01-13. Review status: no assertion criteria provided. Collection method: clinical testing. Allele origin: germline.
Comment: This variant is classified as likely benign based on ACMG/AMP sequence variant interpretation guidelines (Richards et al. 2015 PMID: 25741868, with internal and published modifications).